The following is an entry in ClinVar:

NM_152703.5(SAMD9L):c.4711T>A (p.Phe1571Ile)

Gene: SAMD9L (sterile alpha motif domain containing 9 like; minus strand). Cytogenetic location: 7q21.2.
Variant type: single nucleotide variant.
Coding change: c.4711T>A on transcript NM_152703.5 (MANE Select); coding-DNA position 4711, T replaced by A.
Protein change: p.Phe1571Ile; replaces phenylalanine 1571 with isoleucine.
Molecular consequence: missense variant.
Genome position (GRCh38, 1-based): chr7:93,131,261, A>T on the plus strand (T>A on the coding strand, the complement: SAMD9L is on the minus strand). VCF-style: chr7-93131261-A-T. GRCh37 (hg19) VCF-style: chr7-92760574-A-T.
Other names: c.4711T>A, p.Phe1571Ile (NM_001303496.3, NM_001303497.3, NM_001303498.3 and 5 more transcripts); short protein forms F1571I.
Identifiers: ClinVar variation 3792350 (VCV003792350.1).
Genomic context (GRCh38, chr7:93,131,261, plus strand): 5'-CAGGTGATGTATTGTCTTAAATTACTTCTATATCATATGCCAGAGGGCCTTCAATGGAAA[A>T]TCCTAGGTAGAAAGACACTCTTTCTATGTTCCTACCACTTCTGAGTGGACCTGAATAAAC-3'
Protein context (NP_689916.2, residues 1561-1581): NIERVSFYLG[Phe1571Ile]SIEGPLAYDI

ClinVar aggregate classification (germline): Uncertain significance (1 of 4 stars; one submission).

Conditions:
Inborn genetic diseases. Identifiers: MedGen C0950123, MeSH D030342.

Submission:

Ambry Genetics
Classification: Uncertain significance for Inborn genetic diseases. Last evaluated: 2025-01-25. Review status: criteria provided, single submitter. Criteria: Ambry Variant Classification Scheme 2023. Collection method: clinical testing. Allele origin: germline.
Comment: The p.F1571I variant (also known as c.4711T>A), located in coding exon 1 of the SAMD9L gene, results from a T to A substitution at nucleotide position 4711. The phenylalanine at codon 1571 is replaced by isoleucine, an amino acid with highly similar properties. This amino acid position is conserved. In addition, this alteration is predicted to be deleterious by in silico analysis. Based on the available evidence, the clinical significance of this variant remains unclear.